The following is an entry in ClinVar:

NM_144573.4(NEXN):c.716A>G (p.Lys239Arg)

Gene: NEXN (nexilin F-actin binding protein; plus strand). Cytogenetic location: 1p31.1.
Variant type: single nucleotide variant.
Coding change: c.716A>G on transcript NM_144573.4 (MANE Select); coding-DNA position 716, A replaced by G.
Protein change: p.Lys239Arg; replaces lysine 239 with arginine.
Molecular consequence: missense variant.
Genome position (GRCh38, 1-based): chr1:77,926,744, A>G. VCF-style: chr1-77926744-A-G. GRCh37 (hg19) VCF-style: chr1-78392429-A-G.
Other names: c.524A>G, p.Lys175Arg (NM_001172309.2); short protein forms K175R, K239R.
Identifiers: ClinVar variation 3878957 (VCV003878957.1).

ClinVar aggregate classification (germline): Uncertain significance (1 of 4 stars; one submission).

Conditions:
Cardiovascular phenotype. Identifiers: MedGen CN230736.

Submission:

Ambry Genetics
Classification: Uncertain significance for Cardiovascular phenotype. Last evaluated: 2024-12-17. Review status: criteria provided, single submitter. Criteria: Ambry Variant Classification Scheme 2023. Collection method: clinical testing. Allele origin: germline.
Comment: The p.K239R variant (also known as c.716A>G), located in coding exon 7 of the NEXN gene, results from an A to G substitution at nucleotide position 716. The lysine at codon 239 is replaced by arginine, an amino acid with highly similar properties. This amino acid position is conserved. In addition, this alteration is predicted to be tolerated by in silico analysis. Based on the available evidence, the clinical significance of this variant remains unclear.